The following is an entry in ClinVar:

ClinVar aggregate classification (germline): Uncertain significance (1 of 4 stars; one submission).

Conditions:
Emery-Dreifuss muscular dystrophy 5, autosomal dominant (EDMD5). Also called: EMERY-DREIFUSS MUSCULAR DYSTROPHY 5. Identifiers: Orphanet 261, MedGen C2751805, MONDO:0013072, OMIM 612999.

Allele frequency attached by ClinVar (database versions not stated): gnomAD exomes below 0.00001; TOPMed below 0.00001; gnomAD 0.00001.

Submission:

Labcorp Genetics (formerly Invitae), Labcorp
Classification: Uncertain significance for Emery-Dreifuss muscular dystrophy 5, autosomal dominant. Last evaluated: 2023-08-07. Review status: criteria provided, single submitter. Criteria: Invitae Variant Classification Sherloc (09022015). Collection method: clinical testing. Allele origin: germline.
Comment: This variant has not been reported in the literature in individuals affected with SYNE2-related conditions. This variant is not present in population databases (gnomAD no frequency). An algorithm developed to predict the effect of missense changes on protein structure and function (PolyPhen-2) suggests that this variant is likely to be disruptive. In summary, the available evidence is currently insufficient to determine the role of this variant in disease. Therefore, it has been classified as a Variant of Uncertain Significance. This sequence change replaces asparagine, which is neutral and polar, with threonine, which is neutral and polar, at codon 6033 of the SYNE2 protein (p.Asn6033Thr).

NM_182914.3(SYNE2):c.18098A>C (p.Asn6033Thr)

Gene: SYNE2 (spectrin repeat containing nuclear envelope protein 2; plus strand). Cytogenetic location: 14q23.2.
Variant type: single nucleotide variant.
Coding change: c.18098A>C on transcript NM_182914.3 (MANE Select); coding-DNA position 18098, A replaced by C.
Protein change: p.Asn6033Thr; replaces asparagine 6033 with threonine.
Molecular consequence: missense variant.
Genome position (GRCh38, 1-based): chr14:64,202,860, A>C. VCF-style: chr14-64202860-A-C. GRCh37 (hg19) VCF-style: chr14-64669578-A-C.
Other names: c.18098A>C, p.Asn6033Thr (NM_015180.6); short protein forms N6033T.
Identifiers: ClinVar variation 3014768 (VCV003014768.3), dbSNP rs1286176818, ClinGen allele CA389945057.